The following is an entry in ClinVar:

NM_002474.3(MYH11):c.77C>T (p.Ala26Val)

Gene: MYH11 (myosin heavy chain 11; minus strand). Cytogenetic location: 16p13.11.
Variant type: single nucleotide variant.
Coding change: c.77C>T on transcript NM_002474.3 (MANE Select); coding-DNA position 77, C replaced by T.
Protein change: p.Ala26Val; replaces alanine 26 with valine.
Molecular consequence: missense variant.
Genome position (GRCh38, 1-based): chr16:15,838,176, G>A on the plus strand (C>T on the coding strand, the complement: MYH11 is on the minus strand). VCF-style: chr16-15838176-G-A. GRCh37 (hg19) VCF-style: chr16-15932033-G-A.
Other names: c.77C>T, p.Ala26Val (NM_001040113.2, NM_001040114.2, NM_022844.3); short protein forms A26V.
Identifiers: ClinVar variation 3072391 (VCV003072391.1), dbSNP rs767457782, ClinGen allele CA395198787.

ClinVar aggregate classification (germline): Uncertain significance (1 of 4 stars; one submission).

Conditions:
Familial thoracic aortic aneurysm and aortic dissection (TAAD). Also called: Thoracic aortic aneurysms and dissections. Identifiers: Orphanet 91387, MedGen C4707243, MONDO:0019625.

Submission:

All of Us Research Program, National Institutes of Health
Classification: Uncertain significance for Familial thoracic aortic aneurysm and aortic dissection. Last evaluated: 2023-07-10. Review status: criteria provided, single submitter. Criteria: ACMG Guidelines, 2015. Collection method: clinical testing. Allele origin: germline. Inheritance: Autosomal dominant inheritance. Observed: 1 variant allele, 1 heterozygote.
Comment: This missense variant replaces alanine with valine at codon 26 of the MYH11 protein. Computational prediction is inconclusive regarding the impact of this variant on protein structure and function (internally defined REVEL score threshold 0.5 < inconclusive < 0.7, PMID: 27666373). To our knowledge, functional studies have not been reported for this variant. This variant has not been reported in individuals affected with MYH11-related disorders in the literature. This variant has not been identified in the general population by the Genome Aggregation Database (gnomAD). The available evidence is insufficient to determine the role of this variant in disease conclusively. Therefore, this variant is classified as a Variant of Uncertain Significance.

This study involves interpretation of variants in research participants for the purpose of population health screening. Participant phenotype was not available at the time of variant classification. Additional details can be found in publication PMID: 35346344, PMCID: PMC8962531